The following is an entry in ClinVar:

NM_003482.4(KMT2D):c.10639C>T (p.Arg3547Cys)

Gene: KMT2D (lysine methyltransferase 2D; minus strand). Cytogenetic location: 12q13.12.
Variant type: single nucleotide variant.
Coding change: c.10639C>T on transcript NM_003482.4 (MANE Select); coding-DNA position 10639, C replaced by T.
Protein change: p.Arg3547Cys; replaces arginine 3547 with cysteine.
Molecular consequence: missense variant.
Genome position (GRCh38, 1-based): chr12:49,034,168, G>A on the plus strand (C>T on the coding strand, the complement: KMT2D is on the minus strand). VCF-style: chr12-49034168-G-A. GRCh37 (hg19) VCF-style: chr12-49427951-G-A.
Other names: short protein forms R3547C.
Identifiers: ClinVar variation 4292090 (VCV004292090.1).

ClinVar aggregate classification (germline): Uncertain significance (1 of 4 stars; one submission).

Conditions:
Choanal atresia-athelia-hypothyroidism-delayed puberty-short stature syndrome (BCAHH). Also called: BRANCHIAL ARCH ABNORMALITIES, CHOANAL ATRESIA, ATHELIA, HEARING LOSS, AND HYPOTHYROIDISM SYNDROME. Identifiers: Orphanet 589856, MedGen C5680310, MONDO:0035651, OMIM 620186.

Submission:

3billion
Classification: Uncertain significance for Choanal atresia-athelia-hypothyroidism-delayed puberty-short stature syndrome. Last evaluated: 2024-06-20. Review status: criteria provided, single submitter. Criteria: ACMG Guidelines, 2015. Collection method: clinical testing. Allele origin: germline. Affected: yes.
Comment: The variant is not observed in the gnomAD v4.0.0 dataset. Predicted Consequence/Location: The variant is located in a mutational hot spot and/or well-established functional domain in which established pathogenic variants have been reported (PMID: 31949313). Damaging effect on gene or gene product predicted by in silico programs is uncertain [REVEL: 0.45 (damaging >=0.6, benign <0.4), 3Cnet: 0.45 (damaging >=0.6, benign <0.15)]. Therefore, this variant is classified as VUS according to the recommendation of ACMG/AMP guideline.

Literature cited by the submitters: PubMed 31949313.